The following is an entry in ClinVar:

NM_021098.3(CACNA1H):c.6479T>A (p.Leu2160Gln)

Gene: CACNA1H (calcium voltage-gated channel subunit alpha1 H; plus strand). Cytogenetic location: 16p13.3.
Variant type: single nucleotide variant.
Coding change: c.6479T>A on transcript NM_021098.3 (MANE Select); coding-DNA position 6479, T replaced by A.
Protein change: p.Leu2160Gln; replaces leucine 2160 with glutamine.
Molecular consequence: missense variant.
Genome position (GRCh38, 1-based): chr16:1,220,411, T>A. VCF-style: chr16-1220411-T-A. GRCh37 (hg19) VCF-style: chr16-1270411-T-A.
Other names: c.6461T>A, p.Leu2154Gln (NM_001005407.2); short protein forms L2154Q, L2160Q.
Identifiers: ClinVar variation 3750251 (VCV003750251.2).

ClinVar aggregate classification (germline): Uncertain significance (1 of 4 stars; one submission).

Conditions:
Idiopathic generalized epilepsy. Also called: EIG; Generalised epilepsy. Identifiers: MedGen C0270850, MONDO:0005579, OMIM 600669.
Hyperaldosteronism, familial, type IV (HALD4). Also called: FH IV; ALDOSTERONISM, PRIMARY, AND HYPERTENSION. Identifiers: Orphanet 642671, MedGen C4310756, MONDO:0014875, OMIM 617027.

Submission:

Labcorp Genetics (formerly Invitae), Labcorp
Classification: Uncertain significance for Idiopathic generalized epilepsy; Hyperaldosteronism, familial, type IV. Last evaluated: 2024-09-29. Review status: criteria provided, single submitter. Criteria: Invitae Variant Classification Sherloc (09022015). Collection method: clinical testing. Allele origin: germline.
Comment: This sequence change replaces leucine, which is neutral and non-polar, with glutamine, which is neutral and polar, at codon 2160 of the CACNA1H protein (p.Leu2160Gln). This variant is not present in population databases (gnomAD no frequency). This variant has not been reported in the literature in individuals affected with CACNA1H-related conditions. Invitae Evidence Modeling of protein sequence and biophysical properties (such as structural, functional, and spatial information, amino acid conservation, physicochemical variation, residue mobility, and thermodynamic stability) indicates that this missense variant is not expected to disrupt CACNA1H protein function with a negative predictive value of 80%. In summary, the available evidence is currently insufficient to determine the role of this variant in disease. Therefore, it has been classified as a Variant of Uncertain Significance.